The following is an entry in ClinVar:

NM_005413.4(SIX3):c.873C>T (p.His291=)

Gene: SIX3 (SIX homeobox 3; plus strand). Cytogenetic location: 2p21.
Variant type: single nucleotide variant.
Coding change: c.873C>T on transcript NM_005413.4 (MANE Select); coding-DNA position 873, C replaced by T.
Protein change: p.His291=; no amino-acid change (histidine 291 retained).
Molecular consequence: synonymous variant.
Genome position (GRCh38, 1-based): chr2:44,944,634, C>T. VCF-style: chr2-44944634-C-T. GRCh37 (hg19) VCF-style: chr2-45171773-C-T.
Identifiers: ClinVar variation 4682325 (VCV004682325.1).

ClinVar aggregate classification (germline): Uncertain significance (1 of 4 stars; one submission).

Submission:

Athena Diagnostics
Classification: Uncertain significance. Last evaluated: 2025-06-05. Review status: criteria provided, single submitter. Criteria: Athena Diagnostics Criteria. Collection method: clinical testing. Allele origin: unknown.
Comment: Available data are insufficient to determine the clinical significance of the variant at this time. This variant has not been reported in large, multi-ethnic general populations. Computational tools yielded predictions that this variant is unlikely to have an effect on normal RNA splicing.